The following is an entry in ClinVar:

NM_001386795.1(DTNA):c.496C>G (p.Arg166Gly)

Gene: DTNA (dystrobrevin alpha; plus strand). Cytogenetic location: 18q12.1.
Variant type: single nucleotide variant.
Coding change: c.496C>G on transcript NM_001386795.1 (MANE Select); coding-DNA position 496, C replaced by G.
Protein change: p.Arg166Gly; replaces arginine 166 with glycine.
Molecular consequence: missense variant.
Genome position (GRCh38, 1-based): chr18:34,812,006, C>G. VCF-style: chr18-34812006-C-G. GRCh37 (hg19) VCF-style: chr18-32391970-C-G.
Other names: c.496C>G, p.Arg166Gly (NM_001128175.2, NM_001198938.2, NM_001198939.2 and 35 more transcripts); short protein forms R166G.
Identifiers: ClinVar variation 4743076 (VCV004743076.1).
Genomic context (GRCh38, chr18:34,812,006, plus strand): 5'-TTCCTTTCATCAGATATTTTCTCAATGATTTCTGACTCCAGTGGGGTGATGGTTTATGGA[C>G]GATATGACCAATTCCTTCGGGAAGTTCTCAAACTACCCACGGCAGTTTTTGAAGGTCCTT-3'
Protein context (NP_001373724.1, residues 156-176): SDSSGVMVYG[Arg166Gly]YDQFLREVLK

ClinVar aggregate classification (germline): Uncertain significance (1 of 4 stars; one submission).

Conditions:
Left ventricular noncompaction 1 (LVNC1). Also called: LEFT VENTRICULAR NONCOMPACTION 1 WITH OR WITHOUT CONGENITAL HEART DEFECTS. Identifiers: Orphanet 54260, MedGen C1858725, MONDO:0011403, OMIM 604169.

gnomAD v4.1: 2 of 1,613,994 alleles (0.00012%); highest among the groups gnomAD compares: African/African-American, 0.0027%; no homozygotes.

Submission:

Labcorp Genetics (formerly Invitae), Labcorp
Classification: Uncertain significance for Left ventricular noncompaction 1. Last evaluated: 2025-05-27. Review status: criteria provided, single submitter. Criteria: Invitae Variant Classification Sherloc (09022015). Collection method: clinical testing. Allele origin: germline.
Comment: This sequence change replaces arginine, which is basic and polar, with glycine, which is neutral and non-polar, at codon 166 of the DTNA protein (p.Arg166Gly). This variant is not present in population databases (gnomAD no frequency). This variant has not been reported in the literature in individuals affected with DTNA-related conditions. Invitae Evidence Modeling of protein sequence and biophysical properties (such as structural, functional, and spatial information, amino acid conservation, physicochemical variation, residue mobility, and thermodynamic stability) indicates that this missense variant is not expected to disrupt DTNA protein function with a negative predictive value of 80%. In summary, the available evidence is currently insufficient to determine the role of this variant in disease. Therefore, it has been classified as a Variant of Uncertain Significance.